The following is an entry in ClinVar:

NM_005045.4(RELN):c.5464G>A (p.Gly1822Ser)

Gene: RELN (reelin; minus strand). Cytogenetic location: 7q22.1.
Variant type: single nucleotide variant.
Coding change: c.5464G>A on transcript NM_005045.4 (MANE Select); coding-DNA position 5464, G replaced by A.
Protein change: p.Gly1822Ser; replaces glycine 1822 with serine.
Molecular consequence: missense variant.
Genome position (GRCh38, 1-based): chr7:103,561,597, C>T on the plus strand (G>A on the coding strand, the complement: RELN is on the minus strand). VCF-style: chr7-103561597-C-T. GRCh37 (hg19) VCF-style: chr7-103202044-C-T.
Other names: c.5464G>A, p.Gly1822Ser (NM_173054.3); short protein forms G1822S.
Identifiers: ClinVar variation 2922542 (VCV002922542.3), dbSNP rs752849050, ClinGen allele CA4421199.

ClinVar aggregate classification (germline): Uncertain significance (1 of 4 stars; one submission).

Conditions:
Norman-Roberts syndrome (LIS2). Also called: Lissencephaly 2 (Norman-Roberts type). Identifiers: Orphanet 89844, MedGen C0796089, MONDO:0009760, OMIM 257320.
Familial temporal lobe epilepsy 7. Identifiers: Orphanet 101046, MedGen C4225327, MONDO:0014639, OMIM 616436.

Allele frequency attached by ClinVar (database versions not stated): ExAC 0.00001; gnomAD exomes 0.00001.
gnomAD v4.1: 7 of 1,613,886 alleles (0.00043%); highest among the groups gnomAD compares: Non-Finnish European, 0.00059%; no homozygotes.

Submission:

Labcorp Genetics (formerly Invitae), Labcorp
Classification: Uncertain significance for Familial temporal lobe epilepsy 7; Norman-Roberts syndrome. Last evaluated: 2025-11-06. Review status: criteria provided, single submitter. Criteria: Invitae Variant Classification Sherloc (09022015). Collection method: clinical testing. Allele origin: germline.
Comment: This sequence change replaces glycine, which is neutral and non-polar, with serine, which is neutral and polar, at codon 1822 of the RELN protein (p.Gly1822Ser). This variant is present in population databases (rs752849050, gnomAD 0.0009%). This missense change has been observed in individual(s) with clinical features of RELN-related conditions (PMID: 33004838). ClinVar contains an entry for this variant (Variation ID: 2922542). Invitae Evidence Modeling of protein sequence and biophysical properties (such as structural, functional, and spatial information, amino acid conservation, physicochemical variation, residue mobility, and thermodynamic stability) has been performed for this missense variant. However, the output from this modeling did not meet the statistical confidence thresholds required to predict the impact of this variant on RELN protein function. In summary, the available evidence is currently insufficient to determine the role of this variant in disease. Therefore, it has been classified as a Variant of Uncertain Significance.

Literature cited by the submitters: PubMed 33004838.